The following is an entry in ClinVar:

ClinVar aggregate classification (germline): Pathogenic (1 of 4 stars; one submission).

Submission:

Labcorp Genetics (formerly Invitae), Labcorp
Classification: Pathogenic. Last evaluated: 2024-08-05. Review status: criteria provided, single submitter. Criteria: Invitae Variant Classification Sherloc (09022015). Collection method: clinical testing. Allele origin: germline.
Comment: This sequence change creates a premature translational stop signal (p.Pro387Thrfs*40) in the SON gene. It is expected to result in an absent or disrupted protein product. Loss-of-function variants in SON are known to be pathogenic (PMID: 27545676, 27545680). This variant is not present in population databases (gnomAD no frequency). This variant has not been reported in the literature in individuals affected with SON-related conditions. For these reasons, this variant has been classified as Pathogenic.

Literature cited by the submitters: PubMed 27545676; PubMed 27545680.

NM_138927.4(SON):c.1157dup (p.Pro387fs)

Gene: SON (SON DNA and RNA binding protein; plus strand). Cytogenetic location: 21q22.11.
Variant type: Duplication.
Coding change: c.1157dup on transcript NM_138927.4 (MANE Select); coding-DNA position 1157, one base duplicated (C; older notation c.1157dupC).
Protein change: p.Pro387fs; shifts the reading frame from proline 387.
Molecular consequence: frameshift variant. On other transcripts: non-coding transcript variant (1), intron variant (1).
Genome position (GRCh38, 1-based): chr21:33,550,388, C duplicated; the last of 2 consecutive C bases (chr21:33,550,387-33,550,388); duplicating either gives the same sequence. VCF-style (leftmost placement, unchanged base first): chr21-33550386-G-GC. GRCh37 (hg19) VCF-style: chr21-34922692-G-GC.
Other names: c.1157dup, p.Pro387fs (NM_001291411.2, NM_032195.3); c.1157dup, p.Pro387Thrfs (NM_001412133.1, NM_058183.2, NM_138926.1); c.244+4009dup (NM_001291412.3); short protein forms P387fs.
Identifiers: ClinVar variation 2699199 (VCV002699199.3), dbSNP rs2517351044, ClinGen allele CA2697547501.